The following is an entry in ClinVar:

ClinVar aggregate classification (germline): Uncertain significance. Review status: criteria provided, multiple submitters, no conflicts (2 of 4 stars). 2 submissions from 2 submitters: Uncertain significance (2). Last evaluated 2025-05-05.

Conditions:
Gastrointestinal stromal tumor. Also called: Gastrointestinal stromal tumor, somatic; Gastrointestinal stroma tumor. Identifiers: Orphanet 44890, MedGen C0238198, MeSH D046152, MONDO:0011719, OMIM 606764, HP:0100723.
Hereditary cancer-predisposing syndrome. Also called: Tumor predisposition; Neoplastic Syndromes, Hereditary; Hereditary neoplastic syndrome; Hereditary Cancer Syndrome. Identifiers: Orphanet 140162, MedGen C0027672, MeSH D009386, MONDO:0015356.

Allele frequency attached by ClinVar (database versions not stated): gnomAD exomes below 0.00001; TOPMed below 0.00001.
gnomAD v4.1: 3 of 1,612,100 alleles (0.00019%); highest among the groups gnomAD compares: Non-Finnish European, 0.00025%; no homozygotes.

Submissions (2):

Labcorp Genetics (formerly Invitae), Labcorp
Classification: Uncertain significance for Gastrointestinal stromal tumor. Last evaluated: 2025-05-05. Review status: criteria provided, single submitter. Criteria: Invitae Variant Classification Sherloc (09022015). Collection method: clinical testing. Allele origin: germline.
Comment: This sequence change replaces isoleucine, which is neutral and non-polar, with threonine, which is neutral and polar, at codon 798 of the KIT protein (p.Ile798Thr). This variant is not present in population databases (gnomAD no frequency). This variant has not been reported in the literature in individuals affected with KIT-related conditions. ClinVar contains an entry for this variant (Variation ID: 1039082). An algorithm developed to predict the effect of missense changes on protein structure and function (PolyPhen-2) suggests that this variant is likely to be disruptive. In summary, the available evidence is currently insufficient to determine the role of this variant in disease. Therefore, it has been classified as a Variant of Uncertain Significance.

Ambry Genetics
Classification: Uncertain significance for Hereditary cancer-predisposing syndrome. Last evaluated: 2023-09-28. Review status: criteria provided, single submitter. Criteria: Ambry Variant Classification Scheme 2023. Collection method: clinical testing. Allele origin: germline.
Comment: The p.I798T variant (also known as c.2393T>C), located in coding exon 17 of the KIT gene, results from a T to C substitution at nucleotide position 2393. The isoleucine at codon 798 is replaced by threonine, an amino acid with similar properties. This amino acid position is well conserved in available vertebrate species. In addition, this alteration is predicted to be deleterious by in silico analysis. Since supporting evidence is limited at this time, the clinical significance of this alteration remains unclear.

NM_000222.3(KIT):c.2393T>C (p.Ile798Thr)

Gene: KIT (KIT proto-oncogene, receptor tyrosine kinase; plus strand). Cytogenetic location: 4q12.
Variant type: single nucleotide variant.
Coding change: c.2393T>C on transcript NM_000222.3 (MANE Select); coding-DNA position 2393, T replaced by C.
Protein change: p.Ile798Thr; replaces isoleucine 798 with threonine.
Molecular consequence: missense variant.
Genome position (GRCh38, 1-based): chr4:54,733,101, T>C. VCF-style: chr4-54733101-T-C. GRCh37 (hg19) VCF-style: chr4-55599267-T-C.
Other names: c.2381T>C, p.Ile794Thr (NM_001093772.2, NM_001385292.1); c.2396T>C, p.Ile799Thr (NM_001385284.1); c.2390T>C, p.Ile797Thr (NM_001385285.1); c.2378T>C, p.Ile793Thr (NM_001385286.1); c.2384T>C, p.Ile795Thr (NM_001385288.1); c.2393T>C, p.Ile798Thr (NM_001385290.1); short protein forms I794T, I798T, I793T, I797T, I795T, I799T.
Identifiers: ClinVar variation 1039082 (VCV001039082.9), dbSNP rs1722709591, ClinGen allele CA356911535.